The following is an entry in ClinVar:

NM_001199138.2(NLRC4):c.1488del (p.Ser497fs)

Gene: NLRC4 (NLR family CARD domain containing 4; minus strand). Cytogenetic location: 2p22.3.
Variant type: Deletion.
Coding change: c.1488del on transcript NM_001199138.2 (MANE Select); coding-DNA position 1488, one base deleted (G; older notation c.1488delG).
Protein change: p.Ser497fs; shifts the reading frame from serine 497.
Molecular consequence: frameshift variant. On other transcripts: intron variant (1).
Genome position (GRCh38, 1-based): chr2:32,250,376, C deleted on the plus strand (G on the coding strand, the reverse complement: NLRC4 is on the minus strand); the first of 3 consecutive C bases (chr2:32,250,376-32,250,378); deleting any one gives the same sequence. VCF-style (leftmost placement, unchanged base first): chr2-32250375-AC-A. GRCh37 (hg19) VCF-style: chr2-32475444-AC-A.
Other names: c.1486delG, p.Ser497Hisfs (NM_001199139.2, NM_021209.5); c.262+2043del (NM_001302504.1); short protein forms S497fs.
Identifiers: ClinVar variation 1017718 (VCV001017718.6), dbSNP rs1687043849, ClinGen allele CA1242558852.

ClinVar aggregate classification (germline): Uncertain significance (1 of 4 stars; one submission).

Conditions:
Familial cold autoinflammatory syndrome 4 (FCAS4). Identifiers: Orphanet 47045, Orphanet 576349, MedGen C4015276, MONDO:0014498, OMIM 616115.
Periodic fever-infantile enterocolitis-autoinflammatory syndrome. Also called: Autoinflammation with infantile enterocolitis. Identifiers: Orphanet 436166, MedGen C4015067, MONDO:0014472, OMIM 616050.

Submission:

Labcorp Genetics (formerly Invitae), Labcorp
Classification: Uncertain significance for Periodic fever-infantile enterocolitis-autoinflammatory syndrome; Familial cold autoinflammatory syndrome 4. Last evaluated: 2020-07-25. Review status: criteria provided, single submitter. Criteria: Invitae Variant Classification Sherloc (09022015). Collection method: clinical testing. Allele origin: germline.
Comment: This sequence change creates a premature translational stop signal (p.Ser497Hisfs*10) in the NLRC4 gene. It is expected to result in an absent or disrupted protein product. This variant is not present in population databases (ExAC no frequency). This variant has not been reported in the literature in individuals with NLRC4-related conditions. The current clinical and genetic evidence is not sufficient to establish whether loss-of-function variants in NLRC4 cause disease. In summary, the available evidence is currently insufficient to determine the role of this variant in disease. Therefore, it has been classified as a Variant of Uncertain Significance.